The following is an entry in ClinVar:

NM_004958.4(MTOR):c.5527A>G (p.Ser1843Gly)

Gene: MTOR (mechanistic target of rapamycin kinase; minus strand). Cytogenetic location: 1p36.22.
Variant type: single nucleotide variant.
Coding change: c.5527A>G on transcript NM_004958.4 (MANE Select); coding-DNA position 5527, A replaced by G.
Protein change: p.Ser1843Gly; replaces serine 1843 with glycine.
Molecular consequence: missense variant.
Genome position (GRCh38, 1-based): chr1:11,130,615, T>C on the plus strand (A>G on the coding strand, the complement: MTOR is on the minus strand). VCF-style: chr1-11130615-T-C. GRCh37 (hg19) VCF-style: chr1-11190672-T-C.
Other names: short protein forms S1843G.
Identifiers: ClinVar variation 953702 (VCV000953702.9), dbSNP rs773673257, ClinGen allele CA589317.

ClinVar aggregate classification (germline): Uncertain significance (1 of 4 stars; one submission).

Allele frequency attached by ClinVar (database versions not stated): ExAC 0.00002; gnomAD exomes 0.00002.
gnomAD v4.1: 12 of 1,613,884 alleles (0.00074%); highest among the groups gnomAD compares: South Asian, 0.011%; no homozygotes.

Submission:

Labcorp Genetics (formerly Invitae), Labcorp
Classification: Uncertain significance. Last evaluated: 2022-09-01. Review status: criteria provided, single submitter. Criteria: Invitae Variant Classification Sherloc (09022015). Collection method: clinical testing. Allele origin: germline.
Comment: This variant has not been reported in the literature in individuals affected with MTOR-related conditions. This variant is present in population databases (rs773673257, gnomAD 0.01%). This sequence change replaces serine, which is neutral and polar, with glycine, which is neutral and non-polar, at codon 1843 of the MTOR protein (p.Ser1843Gly). ClinVar contains an entry for this variant (Variation ID: 953702). In summary, the available evidence is currently insufficient to determine the role of this variant in disease. Therefore, it has been classified as a Variant of Uncertain Significance. Advanced modeling of protein sequence and biophysical properties (such as structural, functional, and spatial information, amino acid conservation, physicochemical variation, residue mobility, and thermodynamic stability) performed at Invitae indicates that this missense variant is not expected to disrupt MTOR protein function.